The following is an entry in ClinVar:

NM_001849.4(COL6A2):c.1052G>A (p.Arg351Gln)

Gene: COL6A2 (collagen type VI alpha 2 chain; plus strand). Cytogenetic location: 21q22.3.
Variant type: single nucleotide variant.
Coding change: c.1052G>A on transcript NM_001849.4 (MANE Select); coding-DNA position 1052, G replaced by A.
Protein change: p.Arg351Gln; replaces arginine 351 with glutamine.
Molecular consequence: missense variant.
Genome position (GRCh38, 1-based): chr21:46,117,452, G>A. VCF-style: chr21-46117452-G-A. GRCh37 (hg19) VCF-style: chr21-47537366-G-A.
Other names: c.1052G>A, p.Arg351Gln (NM_058174.3, NM_058175.3); short protein forms R351Q.
Identifiers: ClinVar variation 596931 (VCV000596931.16), dbSNP rs747093518, ClinGen allele CA10071638.

ClinVar aggregate classification (germline): Uncertain significance. Review status: criteria provided, multiple submitters, no conflicts (2 of 4 stars). 6 submissions from 6 submitters: Uncertain significance (6). Last evaluated 2025-10-19.

Conditions:
Bethlem myopathy 1A. Also called: Bethlem Muscular Dystrophy; Bethlem myopathy 1; MYOPATHY, BENIGN CONGENITAL, WITH CONTRACTURES. Identifiers: Orphanet 610, MedGen CN029274, MONDO:0024530, OMIM 158810.
Inborn genetic diseases. Identifiers: MedGen C0950123, MeSH D030342.

Allele frequency attached by ClinVar (database versions not stated): gnomAD 0.00003; gnomAD exomes 0.00003; ExAC 0.00004; TOPMed 0.00002.
gnomAD v4.1: 55 of 1,612,518 alleles (0.0034%); highest among the groups gnomAD compares: Non-Finnish European, 0.0042%; no homozygotes.

Submissions (6):

Labcorp Genetics (formerly Invitae), Labcorp
Classification: Uncertain significance for Bethlem myopathy 1A. Last evaluated: 2025-10-19. Review status: criteria provided, single submitter. Criteria: Invitae Variant Classification Sherloc (09022015). Collection method: clinical testing. Allele origin: germline.
Comment: This sequence change replaces arginine, which is basic and polar, with glutamine, which is neutral and polar, at codon 351 of the COL6A2 protein (p.Arg351Gln). This variant is present in population databases (rs747093518, gnomAD 0.006%). This variant has not been reported in the literature in individuals affected with COL6A2-related conditions. ClinVar contains an entry for this variant (Variation ID: 596931). An algorithm developed to predict the effect of missense changes on protein structure and function (PolyPhen-2) suggests that this variant is likely to be tolerated. In summary, the available evidence is currently insufficient to determine the role of this variant in disease. Therefore, it has been classified as a Variant of Uncertain Significance.

Ambry Genetics
Classification: Uncertain significance for Inborn genetic diseases. Last evaluated: 2024-04-20. Review status: criteria provided, single submitter. Criteria: Ambry Variant Classification Scheme 2023. Collection method: clinical testing. Allele origin: germline.

Women's Health and Genetics/Laboratory Corporation of America, LabCorp
Classification: Uncertain significance. Last evaluated: 2024-03-13. Review status: criteria provided, single submitter. Criteria: LabCorp Variant Classification Summary - May 2015. Collection method: clinical testing. Allele origin: germline.
Comment: Variant summary: COL6A2 c.1052G>A (p.Arg351Gln) results in a conservative amino acid change in the encoded protein sequence. Four of five in-silico tools predict a benign effect of the variant on protein function. The variant allele was found at a frequency of 2.8e-05 in 249218 control chromosomes. The available data on variant occurrences in the general population are insufficient to allow any conclusion about variant significance. To our knowledge, no occurrence of c.1052G>A in individuals affected with Collagen Type VI-Related Disorders and no experimental evidence demonstrating its impact on protein function have been reported. ClinVar contains an entry for this variant (Variation ID: 596931). Based on the evidence outlined above, the variant was classified as uncertain significance.

Revvity Omics, Revvity
Classification: Uncertain significance. Last evaluated: 2020-05-26. Review status: criteria provided, single submitter. Criteria: ACMG Guidelines, 2015. Collection method: clinical testing. Allele origin: germline.

GeneDx
Classification: Uncertain significance. Last evaluated: 2019-04-11. Review status: criteria provided, single submitter. Criteria: GeneDx Variant Classification Process June 2021. Collection method: clinical testing. Allele origin: germline. Affected: yes.
Comment: In silico analysis, which includes protein predictors and evolutionary conservation, supports that this variant does not alter protein structure/function; Has not been previously published as pathogenic or benign to our knowledge

Eurofins Ntd Llc (ga)
Classification: Uncertain significance. Last evaluated: 2018-04-25. Review status: criteria provided, single submitter. Criteria: EGL ClinVar v180209 classification definitions. Collection method: clinical testing. Allele origin: germline. Observed: 1 variant allele, 1 heterozygote.